The following is an entry in ClinVar:

NM_004380.3(CREBBP):c.975+3A>G

Gene: CREBBP (CREB binding lysine acetyltransferase; minus strand). Cytogenetic location: 16p13.3.
Variant type: single nucleotide variant.
Coding change: c.975+3A>G on transcript NM_004380.3 (MANE Select); 3 bases into the intron after coding-DNA position 975, A replaced by G.
Molecular consequence: intron variant.
Genome position (GRCh38, 1-based): chr16:3,810,600, T>C on the plus strand (A>G on the coding strand, the complement: CREBBP is on the minus strand). VCF-style: chr16-3810600-T-C. GRCh37 (hg19) VCF-style: chr16-3860601-T-C.
Other names: c.975+3A>G (NM_001079846.1).
Identifiers: ClinVar variation 2905390 (VCV002905390.3), dbSNP rs368907608, ClinGen allele CA7870552.

ClinVar aggregate classification (germline): Uncertain significance (1 of 4 stars; one submission).

Conditions:
Rubinstein-Taybi syndrome (RSTS). Identifiers: Orphanet 783, MedGen C0035934, MONDO:0019188.

Allele frequency attached by ClinVar (database versions not stated): gnomAD exomes 0.00001; ExAC 0.00002; TOPMed 0.00002; gnomAD 0.00003; ESP Exome Variant Server 0.00008.
gnomAD v4.1: 13 of 1,613,404 alleles (0.00081%); highest among the groups gnomAD compares: Admixed American, 0.0017%; no homozygotes.

Submission:

Labcorp Genetics (formerly Invitae), Labcorp
Classification: Uncertain significance for Rubinstein-Taybi syndrome. Last evaluated: 2025-04-10. Review status: criteria provided, single submitter. Criteria: Invitae Variant Classification Sherloc (09022015). Collection method: clinical testing. Allele origin: germline.
Comment: This sequence change falls in intron 3 of the CREBBP gene. It does not directly change the encoded amino acid sequence of the CREBBP protein. It affects a nucleotide within the consensus splice site. This variant is present in population databases (rs368907608, gnomAD 0.002%). This variant has not been reported in the literature in individuals affected with CREBBP-related conditions. ClinVar contains an entry for this variant (Variation ID: 2905390). Variants that disrupt the consensus splice site are a relatively common cause of aberrant splicing (PMID: 17576681, 9536098). Algorithms developed to predict the effect of sequence changes on RNA splicing suggest that this variant is not likely to affect RNA splicing. In summary, the available evidence is currently insufficient to determine the role of this variant in disease. Therefore, it has been classified as a Variant of Uncertain Significance.

Literature cited by the submitters: PubMed 17576681; PubMed 9536098.